The following is an entry in ClinVar:

ClinVar aggregate classification (germline): Uncertain significance (1 of 4 stars; one submission).

Conditions:
LAMA2-related muscular dystrophy (LAMA2-RD). Also called: Laminin alpha 2-related dystrophy. Identifiers: MedGen C5679788, MONDO:0100228.

Allele frequency attached by ClinVar (database versions not stated): gnomAD exomes below 0.00001; gnomAD 0.00001.
gnomAD v4.1: 3 of 1,613,836 alleles (0.00019%); highest among the groups gnomAD compares: African/African-American, 0.004%; no homozygotes.

Submission:

Labcorp Genetics (formerly Invitae), Labcorp
Classification: Uncertain significance for LAMA2-related muscular dystrophy. Last evaluated: 2022-08-05. Review status: criteria provided, single submitter. Criteria: Invitae Variant Classification Sherloc (09022015). Collection method: clinical testing. Allele origin: germline.
Comment: This sequence change replaces aspartic acid, which is acidic and polar, with histidine, which is basic and polar, at codon 395 of the LAMA2 protein (p.Asp395His). This variant is not present in population databases (gnomAD no frequency). This variant has not been reported in the literature in individuals affected with LAMA2-related conditions. Advanced modeling of protein sequence and biophysical properties (such as structural, functional, and spatial information, amino acid conservation, physicochemical variation, residue mobility, and thermodynamic stability) performed at Invitae indicates that this missense variant is not expected to disrupt LAMA2 protein function. In summary, the available evidence is currently insufficient to determine the role of this variant in disease. Therefore, it has been classified as a Variant of Uncertain Significance.

NM_000426.4(LAMA2):c.1183G>C (p.Asp395His)

Gene: LAMA2 (laminin subunit alpha 2; plus strand). Cytogenetic location: 6q22.33.
Variant type: single nucleotide variant.
Coding change: c.1183G>C on transcript NM_000426.4 (MANE Select); coding-DNA position 1183, G replaced by C.
Protein change: p.Asp395His; replaces aspartic acid 395 with histidine.
Molecular consequence: missense variant.
Genome position (GRCh38, 1-based): chr6:129,154,660, G>C. VCF-style: chr6-129154660-G-C. GRCh37 (hg19) VCF-style: chr6-129475805-G-C.
Other names: c.1183G>C, p.Asp395His (NM_001079823.2); short protein forms D395H.
Identifiers: ClinVar variation 2198769 (VCV002198769.1), dbSNP rs1779001424, ClinGen allele CA365607100.